The following is an entry in ClinVar:

ClinVar aggregate classification (germline): Uncertain significance (1 of 4 stars; one submission).

Submission:

Labcorp Genetics (formerly Invitae), Labcorp
Classification: Uncertain significance. Last evaluated: 2023-12-06. Review status: criteria provided, single submitter. Criteria: Invitae Variant Classification Sherloc (09022015). Collection method: clinical testing. Allele origin: germline.
Comment: This variant results in a copy number gain of the genomic region encompassing exon(s) 4 of the CPLX1 gene. This region includes the termination codon of the gene. This copy number gain extends beyond the assayed region for this gene and therefore may encompass additional genes. As the precise location of this event is unknown, it may be in tandem or it may be located elsewhere in the genome. This variant has not been reported in the literature in individuals affected with CPLX1-related conditions. In summary, the available evidence is currently insufficient to determine the role of this variant in disease. Therefore, it has been classified as a Variant of Uncertain Significance.

NC_000004.11:g.(?_780289)_(780506_?)dup

Gene: CPLX1 (complexin 1; minus strand). Cytogenetic location: 4p16.3.
Variant type: Duplication.
Identifiers: ClinVar variation 1429723 (VCV001429723.5).